The following is an entry in ClinVar:

NM_001330078.2(NRXN1):c.405C>A (p.Ala135=)

Gene: NRXN1 (neurexin 1; minus strand). Cytogenetic location: 2p16.3.
Variant type: single nucleotide variant.
Coding change: c.405C>A on transcript NM_001330078.2 (MANE Select); coding-DNA position 405, C replaced by A.
Protein change: p.Ala135=; no amino-acid change (alanine 135 retained).
Molecular consequence: synonymous variant.
Genome position (GRCh38, 1-based): chr2:51,027,869, G>T on the plus strand (C>A on the coding strand, the complement: NRXN1 is on the minus strand). VCF-style: chr2-51027869-G-T. GRCh37 (hg19) VCF-style: chr2-51255007-G-T.
Other names: c.405C>A, p.Ala135= (NM_001135659.3, NM_001330077.2, NM_001330079.2 and 15 more transcripts).
Identifiers: ClinVar variation 1978118 (VCV001978118.25), dbSNP rs2468078063, ClinGen allele CA426129068.
Genomic context (GRCh38, chr2:51,027,869, plus strand): 5'-GACGAAAAGGCCGCTGAACACCGTCATGTCCCTGCGCTTGGACTTGACCTCCACCCACTT[G>T]GCCTCCACCTGGTCGATGAAGAGCGTGGTGTTGCGGAACTGGCGGCGGATGCGCACGCTG-3'
Protein context (NP_001317007.1, residues 125-145): NTTLFIDQVE[Ala135=]KWVEVKSKRR

ClinVar aggregate classification (germline): Likely benign. Review status: criteria provided, multiple submitters, no conflicts (2 of 4 stars). 2 submissions from 2 submitters: Likely benign (2). Last evaluated 2024-09-16.

Conditions:
Pitt-Hopkins-like syndrome 2 (PTHSL2). Identifiers: Orphanet 221150, Orphanet 600663, MedGen C3280479, MONDO:0013690, OMIM 614325.

Allele frequency attached by ClinVar (database versions not stated): gnomAD exomes 0.00001.
gnomAD v4.1: 7 of 1,612,940 alleles (0.00043%); highest among the groups gnomAD compares: African/African-American, 0.0013%; no homozygotes.

Submissions (2):

Labcorp Genetics (formerly Invitae), Labcorp
Classification: Likely benign for Pitt-Hopkins-like syndrome 2. Last evaluated: 2024-09-16. Review status: criteria provided, single submitter. Criteria: Invitae Variant Classification Sherloc (09022015). Collection method: clinical testing. Allele origin: germline.

CeGaT Center for Human Genetics Tuebingen
Classification: Likely benign. Last evaluated: 2024-04-01. Review status: criteria provided, single submitter. Criteria: CeGaT Center For Human Genetics Tuebingen Variant Classification Criteria Version 2. Collection method: clinical testing. Allele origin: germline. Affected: yes. Observed: 1 variant allele.
Comment: NRXN1: PM2:Supporting, BP4, BP7